The following is an entry in ClinVar:

ClinVar aggregate classification (germline): Conflicting classifications of pathogenicity. Review status: criteria provided, conflicting classifications (1 of 4 stars). 2 submissions from 1 submitter: Uncertain significance (1); Benign (1). Last evaluated 2018-01-13.

Conditions:
Brachydactyly type B1 (BDB1). Identifiers: Orphanet 572385, Orphanet 93383, MedGen C1862112, MONDO:0007220, OMIM 113000.
Autosomal recessive Robinow syndrome (RRS1). Also called: ROBINOW SYNDROME, AUTOSOMAL RECESSIVE 1; COSTOVERTEBRAL SEGMENTATION DEFECT WITH MESOMELIA; COVESDEM SYNDROME; ROR2-Related Robinow Syndrome. Identifiers: Orphanet 1507, Orphanet 97360, MedGen C5399974, MONDO:0009999, OMIM 268310.

Allele frequency attached by ClinVar (database versions not stated): gnomAD 0.00005 and 0.00025; TOPMed 0.00006; gnomAD exomes 0.00013; 1000 Genomes Project 0.00120; 1000 Genomes Project 30x 0.00125.
gnomAD v4.1: 39 of 160,406 alleles (0.024%); highest among the groups gnomAD compares: South Asian, 0.58%; 1 homozygote.

Submissions (2):

Illumina Laboratory Services, Illumina
Classification: Uncertain significance for Autosomal recessive Robinow syndrome. Last evaluated: 2018-01-13. Review status: criteria provided, single submitter. Criteria: ICSL Variant Classification Criteria 13 December 2019. Collection method: clinical testing. Allele origin: germline.

Illumina Laboratory Services, Illumina
Classification: Benign for Brachydactyly type B1. Last evaluated: 2018-01-13. Review status: criteria provided, single submitter. Criteria: ICSL Variant Classification Criteria 13 December 2019. Collection method: clinical testing. Allele origin: germline.
Comment: This variant was observed in the ICSL laboratory as part of a predisposition screen in an ostensibly healthy population. It had not been previously curated by ICSL or reported in the Human Gene Mutation Database (HGMD: prior to June 1st, 2018), and was therefore a candidate for classification through an automated scoring system. Utilizing variant allele frequency, disease prevalence and penetrance estimates, and inheritance mode, an automated score was calculated to assess if this variant is too frequent to cause the disease. Based on the score and internal cut-off values, a variant classified as benign is not then subjected to further curation. The score for this variant resulted in a classification of benign for this disease.

NM_004560.4(ROR2):c.*520C>T

Gene: ROR2 (receptor tyrosine kinase like orphan receptor 2; minus strand). Cytogenetic location: 9q22.31.
Variant type: single nucleotide variant.
Coding change: c.*520C>T on transcript NM_004560.4 (MANE Select); 520 bases downstream of the stop codon, C replaced by T.
Molecular consequence: 3 prime UTR variant.
Genome position (GRCh38, 1-based): chr9:91,723,142, G>A on the plus strand (C>T on the coding strand, the complement: ROR2 is on the minus strand). VCF-style: chr9-91723142-G-A. GRCh37 (hg19) VCF-style: chr9-94485424-G-A.
Identifiers: ClinVar variation 367488 (VCV000367488.5), dbSNP rs367760102, ClinGen allele CA10634450.